The following is an entry in ClinVar:

NM_000245.4(MET):c.1578C>A (p.Cys526Ter)

Gene: MET (MET proto-oncogene, receptor tyrosine kinase; plus strand). Cytogenetic location: 7q31.2.
Variant type: single nucleotide variant.
Coding change: c.1578C>A on transcript NM_000245.4 (MANE Select); coding-DNA position 1578, C replaced by A.
Protein change: p.Cys526Ter; replaces cysteine 526 with a stop codon.
Molecular consequence: nonsense.
Genome position (GRCh38, 1-based): chr7:116,740,902, C>A. VCF-style: chr7-116740902-C-A. GRCh37 (hg19) VCF-style: chr7-116380956-C-A.
Other names: c.1578C>A, p.Cys526Ter (NM_001127500.3, NM_001324401.3); c.288C>A, p.Cys96Ter (NM_001324402.2); short protein forms C526*, C96*.
Identifiers: ClinVar variation 4714196 (VCV004714196.1).

ClinVar aggregate classification (germline): Uncertain significance (1 of 4 stars; one submission).

Conditions:
Renal cell carcinoma. Identifiers: Orphanet 217071, MedGen C0007134, MeSH D002292, MONDO:0005086, HP:0005584.

Submission:

Labcorp Genetics (formerly Invitae), Labcorp
Classification: Uncertain significance for Renal cell carcinoma. Last evaluated: 2025-03-03. Review status: criteria provided, single submitter. Criteria: Invitae Variant Classification Sherloc (09022015). Collection method: clinical testing. Allele origin: germline.
Comment: This sequence change creates a premature translational stop signal (p.Cys526*) in the MET gene. It is expected to result in an absent or disrupted protein product. However, the current clinical and genetic evidence is not sufficient to establish whether loss-of-function variants in MET cause disease. This variant is not present in population databases (gnomAD no frequency). This variant has not been reported in the literature in individuals affected with MET-related conditions. In summary, the available evidence is currently insufficient to determine the role of this variant in disease. Therefore, it has been classified as a Variant of Uncertain Significance.